The following is an entry in ClinVar:

NM_001267550.2(TTN):c.34538-110T>C

Gene: TTN (titin; minus strand). Cytogenetic location: 2q31.2.
Variant type: single nucleotide variant.
Coding change: c.34538-110T>C on transcript NM_001267550.2 (MANE Select); 110 bases into the intron before coding-DNA position 34538, T replaced by C.
Molecular consequence: intron variant.
Genome position (GRCh38, 1-based): chr2:178,675,223, A>G on the plus strand (T>C on the coding strand, the complement: TTN is on the minus strand). VCF-style: chr2-178675223-A-G. GRCh37 (hg19) VCF-style: chr2-179539950-A-G.
Other names: c.13283-32906T>C (NM_003319.4); c.13859-32906T>C (NM_133437.4); c.13658-32906T>C (NM_133432.3); c.30635-110T>C (NM_133378.4); c.33416-110T>C (NM_001256850.1).
Identifiers: ClinVar variation 675381 (VCV000675381.1), dbSNP rs145717449, ClinGen allele CA60979817.

ClinVar aggregate classification (germline): Likely benign (1 of 4 stars; one submission).

Allele frequency attached by ClinVar (database versions not stated): gnomAD 0.00797 and 0.00858; TOPMed 0.00924; 1000 Genomes Project 0.01018; 1000 Genomes Project 30x 0.01109.
gnomAD v4.1: 1,586 of 605,582 alleles (0.26%); highest among the groups gnomAD compares: African/African-American, 2.8%; 25 homozygotes.

Submission:

GeneDx
Classification: Likely benign. Last evaluated: 2018-06-14. Review status: criteria provided, single submitter. Criteria: GeneDx Variant Classification (06012015). Collection method: clinical testing. Allele origin: germline. Affected: yes.
Comment: This variant is considered likely benign or benign based on one or more of the following criteria: it is a conservative change, it occurs at a poorly conserved position in the protein, it is predicted to be benign by multiple in silico algorithms, and/or has population frequency not consistent with disease.